The following is an entry in ClinVar:

ClinVar aggregate classification (germline): Uncertain significance (1 of 4 stars; one submission).

Conditions:
Inborn genetic diseases. Identifiers: MedGen C0950123, MeSH D030342.

Submission:

Ambry Genetics
Classification: Uncertain significance for Inborn genetic diseases. Last evaluated: 2026-01-18. Review status: criteria provided, single submitter. Criteria: Ambry Variant Classification Scheme 2023. Collection method: clinical testing. Allele origin: germline.
Comment: The p.P185L variant (also known as c.554C>T), located in coding exon 2 of the GATA2 gene, results from a C to T substitution at nucleotide position 554. The proline at codon 185 is replaced by leucine, an amino acid with similar properties. This amino acid position is conserved. In addition, this alteration is predicted to be deleterious by in silico analysis. Based on the available evidence, the clinical significance of this variant remains unclear.

NM_032638.5(GATA2):c.554C>T (p.Pro185Leu)

Gene: GATA2 (GATA binding protein 2; minus strand). Cytogenetic location: 3q21.3.
Variant type: single nucleotide variant.
Coding change: c.554C>T on transcript NM_032638.5 (MANE Select); coding-DNA position 554, C replaced by T.
Protein change: p.Pro185Leu; replaces proline 185 with leucine.
Molecular consequence: missense variant.
Genome position (GRCh38, 1-based): chr3:128,486,044, G>A on the plus strand (C>T on the coding strand, the complement: GATA2 is on the minus strand). VCF-style: chr3-128486044-G-A. GRCh37 (hg19) VCF-style: chr3-128204887-G-A.
Other names: c.554C>T, p.Pro185Leu (NM_001145661.2, NM_001145662.1); short protein forms P185L.
Identifiers: ClinVar variation 4824107 (VCV004824107.1).